The following is an entry in ClinVar:

NM_001267550.2(TTN):c.68003C>A (p.Pro22668Gln)

Genes: TTN (titin; minus strand), TTN-AS1 (TTN antisense RNA 1; plus strand), LOC126806423 (CDK7 strongly-dependent group 2 enhancer GRCh37_chr2:179443309-179444508; plus strand). Cytogenetic location: 2q31.2.
Variant type: single nucleotide variant.
Coding change: c.68003C>A on transcript NM_001267550.2 (MANE Select); coding-DNA position 68003, C replaced by A.
Protein change: p.Pro22668Gln; replaces proline 22668 with glutamine.
Molecular consequence: missense variant.
Genome position (GRCh38, 1-based): chr2:178,579,027, G>T on the plus strand (C>A on the coding strand, the complement: TTN is on the minus strand). VCF-style: chr2-178579027-G-T. GRCh37 (hg19) VCF-style: chr2-179443754-G-T.
Other names: c.63080C>A, p.Pro21027Gln (NM_001256850.1); c.40808C>A, p.Pro13603Gln (NM_003319.4); c.60299C>A, p.Pro20100Gln (NM_133378.4); c.41183C>A, p.Pro13728Gln (NM_133432.3); c.41384C>A, p.Pro13795Gln (NM_133437.4); short protein forms P13603Q, P13728Q, P21027Q, P22668Q, P13795Q, P20100Q.
Identifiers: ClinVar variation 1737625 (VCV001737625.2), dbSNP rs879160608, ClinGen allele CA60956477.

ClinVar aggregate classification (germline): Uncertain significance (1 of 4 stars; one submission).

Conditions:
Cardiovascular phenotype. Identifiers: MedGen CN230736.

Allele frequency attached by ClinVar (database versions not stated): gnomAD exomes below 0.00001; TOPMed below 0.00001.
gnomAD v4.1: 2 of 1,613,204 alleles (0.00012%); highest among the groups gnomAD compares: Non-Finnish European, 0.00017%; no homozygotes.

Submission:

Ambry Genetics
Classification: Uncertain significance for Cardiovascular phenotype. Last evaluated: 2020-08-04. Review status: criteria provided, single submitter. Criteria: Ambry Variant Classification Scheme 2023. Collection method: clinical testing. Allele origin: germline.
Comment: The p.P13603Q variant (also known as c.40808C>A), located in coding exon 147 of the TTN gene, results from a C to A substitution at nucleotide position 40808. The proline at codon 13603 is replaced by glutamine, an amino acid with similar properties. This amino acid position is highly conserved in available vertebrate species. In addition, the in silico prediction for this alteration is inconclusive. Since supporting evidence is limited at this time, the clinical significance of this alteration remains unclear.